The following is an entry in ClinVar:

ClinVar aggregate classification (germline): Uncertain significance (1 of 4 stars; one submission).

Allele frequency attached by ClinVar (database versions not stated): gnomAD exomes below 0.00001; TOPMed 0.00001.
gnomAD v4.1: 2 of 1,614,082 alleles (0.00012%); highest among the groups gnomAD compares: Admixed American, 0.0017%; no homozygotes.

Submission:

Labcorp Genetics (formerly Invitae), Labcorp
Classification: Uncertain significance. Last evaluated: 2023-02-10. Review status: criteria provided, single submitter. Criteria: Invitae Variant Classification Sherloc (09022015). Collection method: clinical testing. Allele origin: germline.
Comment: In summary, the available evidence is currently insufficient to determine the role of this variant in disease. Therefore, it has been classified as a Variant of Uncertain Significance. Advanced modeling of protein sequence and biophysical properties (such as structural, functional, and spatial information, amino acid conservation, physicochemical variation, residue mobility, and thermodynamic stability) performed at Invitae indicates that this missense variant is not expected to disrupt JAK1 protein function. This variant has not been reported in the literature in individuals affected with JAK1-related conditions. This variant is not present in population databases (gnomAD no frequency). This sequence change replaces glutamic acid, which is acidic and polar, with glutamine, which is neutral and polar, at codon 59 of the JAK1 protein (p.Glu59Gln).

NM_002227.4(JAK1):c.175G>C (p.Glu59Gln)

Genes: JAK1 (Janus kinase 1; minus strand), LOC129930680 (ATAC-STARR-seq lymphoblastoid active region 1132; plus strand). Cytogenetic location: 1p31.3.
Variant type: single nucleotide variant.
Coding change: c.175G>C on transcript NM_002227.4 (MANE Select); coding-DNA position 175, G replaced by C.
Protein change: p.Glu59Gln; replaces glutamic acid 59 with glutamine.
Molecular consequence: missense variant.
Genome position (GRCh38, 1-based): chr1:64,883,307, C>G on the plus strand (G>C on the coding strand, the complement: JAK1 is on the minus strand). VCF-style: chr1-64883307-C-G. GRCh37 (hg19) VCF-style: chr1-65348990-C-G.
Other names: c.175G>C, p.Glu59Gln (NM_001320923.2, NM_001321852.2, NM_001321853.2 and 4 more transcripts); short protein forms E59Q.
Identifiers: ClinVar variation 2713390 (VCV002713390.3), dbSNP rs889418968, ClinGen allele CA24323400.
Genomic context (GRCh38, chr1:64,883,307, plus strand): 5'-CCCCAGCCCTGGGCAGCTGCCAGTACTCACGGCATGCCTGTGCAGCCCTGATGCACAGTT[C>G]CTCTGCTGTGTACTCTCCACTGCCCAGCCGGAGGGGCTCCCTGTCCGACAGATAGAAGAT-3'
Protein context (NP_002218.2, residues 49-69): RLGSGEYTAE[Glu59Gln]LCIRAAQACR